The following is an entry in ClinVar:

NM_025114.4(CEP290):c.726T>C (p.Asn242=)

Gene: CEP290 (centrosomal protein 290; minus strand). Cytogenetic location: 12q21.32.
Variant type: single nucleotide variant.
Coding change: c.726T>C on transcript NM_025114.4 (MANE Select); coding-DNA position 726, T replaced by C.
Protein change: p.Asn242=; no amino-acid change (asparagine 242 retained).
Molecular consequence: synonymous variant.
Genome position (GRCh38, 1-based): chr12:88,129,820, A>G on the plus strand (T>C on the coding strand, the complement: CEP290 is on the minus strand). VCF-style: chr12-88129820-A-G. GRCh37 (hg19) VCF-style: chr12-88523597-A-G.
Other names: c.726T>C (NM_025114.3).
Identifiers: ClinVar variation 1150131 (VCV001150131.10), dbSNP rs949161264, ClinGen allele CA241157469.

ClinVar aggregate classification (germline): Likely benign. Review status: criteria provided, multiple submitters, no conflicts (2 of 4 stars). 2 submissions from 2 submitters: Likely benign (2). Last evaluated 2025-04-30.

Conditions:
CEP290-related disorder. Also called: CEP290-related condition; CEP290-related disorders. Identifiers: MedGen CN239314.
Meckel-Gruber syndrome. Also called: DYSENCEPHALIA SPLANCHNOCYSTICA; Dysencephalia splachnocystica; GRUBER SYNDROME. Identifiers: Orphanet 564, MedGen C0265215, MONDO:0018921.
Joubert syndrome. Also called: Familial aplasia of the vermis; JOUBERT-BOLTSHAUSER SYNDROME. Identifiers: Orphanet 475, MedGen C5979921, MONDO:0018772.
Nephronophthisis. Also called: Juvenile Nephronophthisis. Identifiers: Orphanet 655, MedGen C0687120, MONDO:0019005, HP:0000090.

Allele frequency attached by ClinVar (database versions not stated): gnomAD exomes 0.00001; TOPMed 0.00001.
gnomAD v4.1: 6 of 1,465,588 alleles (0.00041%); highest among the groups gnomAD compares: Non-Finnish European, 0.00045%; no homozygotes.

Submissions (2):

PreventionGenetics, part of Exact Sciences
Classification: Likely benign for CEP290-related condition. Last evaluated: 2025-04-30. Review status: criteria provided, single submitter. Criteria: ACMG Guidelines, 2015. Collection method: clinical testing. Allele origin: germline.
Comment: This variant is classified as likely benign based on ACMG/AMP sequence variant interpretation guidelines (Richards et al. 2015 PMID: 25741868, with internal and published modifications).

Labcorp Genetics (formerly Invitae), Labcorp
Classification: Likely benign for Joubert syndrome; Meckel-Gruber syndrome; Nephronophthisis. Last evaluated: 2023-10-08. Review status: criteria provided, single submitter. Criteria: Invitae Variant Classification Sherloc (09022015). Collection method: clinical testing. Allele origin: germline.